The following is an entry in ClinVar:

ClinVar aggregate classification (germline): Likely pathogenic (1 of 4 stars; one submission).

Conditions:
Usher syndrome type 2A. Also called: RETINAL DISEASE IN USHER SYNDROME TYPE IIA, MODIFIER OF; USHER SYNDROME, TYPE IIA. Identifiers: Orphanet 231178, Orphanet 886, MedGen C1848634, MONDO:0010169, OMIM 276901.

Submission:

Natera, Inc.
Classification: Likely pathogenic for Usher syndrome type 2A. Last evaluated: 2024-06-26. Review status: criteria provided, single submitter. Criteria: Natera Variant Classification Schema (03/2026). Collection method: clinical testing. Allele origin: germline.
Comment: The c.1820_1828delinsTAGGATAACACTGTAGGATAGTACCTGTAGG variant in USH2A is a frameshift variant predicted to shift the reading frame beginning at codon 607 and leads to a stop codon 3 codons downstream. This variant is expected to result in nonsense mediated decay, truncation, or a dysfunctional protein product. This variant is rare in the general population with a frequency below the threshold expected for the associated phenotype(s). Given the available evidence, this variant is classified as Likely Pathogenic.

NM_206933.4(USH2A):c.1820_1828delinsTAGGATAACACTGTAGGATAGTACCTGTAGG (p.Asp607_His610delinsValGlyTer)

Gene: USH2A (usherin; minus strand). Cytogenetic location: 1q41.
Variant type: Indel.
Coding change: c.1820_1828delinsTAGGATAACACTGTAGGATAGTACCTGTAGG on transcript NM_206933.4 (MANE Select); coding-DNA positions 1820 to 1828, the reference bases replaced by an inserted sequence.
Protein change: p.Asp607_His610delinsValGlyTer.
Molecular consequence: nonsense.
Genome position (GRCh38, 1-based): chr1:216,292,187-216,292,195, 9 bases replaced. GRCh37 (hg19): chr1:216,465,529-216,465,537.
Other names: c.1820_1828delinsTAGGATAACACTGTAGGATAGTACCTGTAGG, p.Asp607_His610delinsValGlyTer (NM_007123.6).
Identifiers: ClinVar variation 4817107 (VCV004817107.1).